The following is an entry in ClinVar:

NM_000264.5(PTCH1):c.992C>G (p.Ser331Cys)

Gene: PTCH1 (patched 1; minus strand). Cytogenetic location: 9q22.32.
Variant type: single nucleotide variant.
Coding change: c.992C>G on transcript NM_000264.5 (MANE Select); coding-DNA position 992, C replaced by G.
Protein change: p.Ser331Cys; replaces serine 331 with cysteine.
Molecular consequence: missense variant. On other transcripts: non-coding transcript variant (1).
Genome position (GRCh38, 1-based): chr9:95,480,044, G>C on the plus strand (C>G on the coding strand, the complement: PTCH1 is on the minus strand). VCF-style: chr9-95480044-G-C. GRCh37 (hg19) VCF-style: chr9-98242326-G-C.
Other names: c.794C>G, p.Ser265Cys (NM_001083602.3); c.989C>G, p.Ser330Cys (NM_001083603.3); c.539C>G, p.Ser180Cys (NM_001083604.3, NM_001083605.3, NM_001083606.3 and 1 more transcripts); c.992C>G, p.Ser331Cys (NM_001354918.2); short protein forms S265C, S330C, S331C, S180C.
Identifiers: ClinVar variation 941406 (VCV000941406.12), dbSNP rs1841408288, ClinGen allele CA374119721.
Genomic context (GRCh38, chr9:95,480,044, plus strand): 5'-GTGCTGTTCTTGACTGTGCCACCCACAATCAACTCCTCCTGCCAGTGCATATACTTTCTG[G>C]ATAAGCCATGACATCCACCATTCAAAACAAGGGCCATATCAAGAGGCTAAAATAAAAAGA-3'
Protein context (NP_000255.2, residues 321-341): LVLNGGCHGL[Ser331Cys]RKYMHWQEEL

ClinVar aggregate classification (germline): Uncertain significance. Review status: criteria provided, multiple submitters, no conflicts (2 of 4 stars). 2 submissions from 2 submitters: Uncertain significance (2). Last evaluated 2026-09-04.

Conditions:
Hereditary cancer-predisposing syndrome. Also called: Neoplastic Syndromes, Hereditary; Hereditary Cancer Syndrome; Tumor predisposition; Hereditary neoplastic syndrome. Identifiers: Orphanet 140162, MedGen C0027672, MeSH D009386, MONDO:0015356.
Gorlin syndrome. Also called: Nevoid Basal Cell Carcinoma Syndrome; Basal cell nevus syndrome. Identifiers: Orphanet 377, MedGen C0004779, MONDO:0007187.

Submissions (2):

Ambry Genetics
Classification: Uncertain significance for Hereditary cancer-predisposing syndrome. Last evaluated: 2026-09-04. Review status: criteria provided, single submitter. Criteria: Ambry Variant Classification Scheme 2023. Collection method: clinical testing. Allele origin: germline.
Comment: The p.S331C variant (also known as c.992C>G), located in coding exon 7 of the PTCH1 gene, results from a C to G substitution at nucleotide position 992. The serine at codon 331 is replaced by cysteine, an amino acid with dissimilar properties. This amino acid position is highly conserved in available vertebrate species. In addition, this alteration is predicted to be deleterious by in silico analysis. Based on the available evidence, the clinical significance of this variant remains unclear.

Labcorp Genetics (formerly Invitae), Labcorp
Classification: Uncertain significance for Gorlin syndrome. Last evaluated: 2024-07-22. Review status: criteria provided, single submitter. Criteria: Invitae Variant Classification Sherloc (09022015). Collection method: clinical testing. Allele origin: germline.
Comment: This sequence change replaces serine, which is neutral and polar, with cysteine, which is neutral and slightly polar, at codon 331 of the PTCH1 protein (p.Ser331Cys). This variant is not present in population databases (gnomAD no frequency). This variant has not been reported in the literature in individuals affected with PTCH1-related conditions. ClinVar contains an entry for this variant (Variation ID: 941406). Advanced modeling of protein sequence and biophysical properties (such as structural, functional, and spatial information, amino acid conservation, physicochemical variation, residue mobility, and thermodynamic stability) has been performed at Invitae for this missense variant, however the output from this modeling did not meet the statistical confidence thresholds required to predict the impact of this variant on PTCH1 protein function. In summary, the available evidence is currently insufficient to determine the role of this variant in disease. Therefore, it has been classified as a Variant of Uncertain Significance.